The following is an entry in ClinVar:

NM_003611.3(OFD1):c.1081T>C (p.Tyr361His)

Gene: OFD1 (OFD1 centriole and centriolar satellite protein; plus strand). Cytogenetic location: Xp22.2.
Variant type: single nucleotide variant.
Coding change: c.1081T>C on transcript NM_003611.3 (MANE Select); coding-DNA position 1081, T replaced by C.
Protein change: p.Tyr361His; replaces tyrosine 361 with histidine.
Molecular consequence: missense variant.
Genome position (GRCh38, 1-based): chrX:13,753,393, T>C. VCF-style: chrX-13753393-T-C. GRCh37 (hg19) VCF-style: chrX-13771512-T-C.
Other names: c.961T>C, p.Tyr321His (NM_001330209.2); c.661T>C, p.Tyr221His (NM_001330210.2); short protein forms Y361H, Y221H, Y321H.
Identifiers: ClinVar variation 1508345 (VCV001508345.8), dbSNP rs991181381, ClinGen allele CA326117702.
Genomic context (GRCh38, chrX:13,753,393, plus strand): 5'-CTGAGGAGCTCATATTTAGTCATTCTGATTCTCAGGTATCAACTTGAACTGAAGGATGAC[T>C]ACATCATTAGAACTAATCGACTGATTGAAGATGAAAGGAAGAATAAAGGTGATGTTTGGG-3'
Protein context (NP_003602.1, residues 351-371): LKYQLELKDD[Tyr361His]IIRTNRLIED

ClinVar aggregate classification (germline): Uncertain significance. Review status: criteria provided, multiple submitters, no conflicts (2 of 4 stars). 2 submissions from 2 submitters: Uncertain significance (2). Last evaluated 2025-08-24.

Conditions:
Joubert syndrome. Also called: JOUBERT-BOLTSHAUSER SYNDROME; Familial aplasia of the vermis. Identifiers: Orphanet 475, MedGen C5979921, MONDO:0018772.
Orofaciodigital syndrome I (OFD1). Also called: Oral-Facial-Digital Syndrome Type I; Papillon-Leage and Psaume Syndrome; OFDS I. Identifiers: Orphanet 2750, MedGen C1510460, MONDO:0010702, OMIM 311200.

Allele frequency attached by ClinVar (database versions not stated): TOPMed below 0.00001; gnomAD 0.00001; gnomAD exomes below 0.00001.
gnomAD v4.1: 3 of 1,206,582 alleles (0.00025%); highest among the groups gnomAD compares: Admixed American, 0.0022%; no homozygotes.

Submissions (2):

Dasa
Classification: Uncertain significance. Last evaluated: 2025-08-24. Review status: criteria provided, single submitter. Criteria: DASA Assertion Criteria. Collection method: clinical testing. Allele origin: germline.
Comment: NM_003611.3(OFD1):c.1081T>C (p.Tyr361His) is a missense variant that results in the substitution of tyrosine with histidine. This variant has been reported in individuals with OFD1-related disorders. Also, this variant is rare in population databases. The currently available literature and clinical evidence are not sufficient to establish a definitive association between this variant and the reported condition. Therefore, this variant is classified as a variant of uncertain significance.

Labcorp Genetics (formerly Invitae), Labcorp
Classification: Uncertain significance for Orofaciodigital syndrome I; Joubert syndrome. Last evaluated: 2025-01-27. Review status: criteria provided, single submitter. Criteria: Invitae Variant Classification Sherloc (09022015). Collection method: clinical testing. Allele origin: germline.
Comment: This sequence change replaces tyrosine, which is neutral and polar, with histidine, which is basic and polar, at codon 361 of the OFD1 protein (p.Tyr361His). This variant is not present in population databases (gnomAD no frequency). This missense change has been observed in individual(s) with clinical features of OFD1-related condition (PMID: 33825116). ClinVar contains an entry for this variant (Variation ID: 1508345). Invitae Evidence Modeling of protein sequence and biophysical properties (such as structural, functional, and spatial information, amino acid conservation, physicochemical variation, residue mobility, and thermodynamic stability) has been performed for this missense variant. However, the output from this modeling did not meet the statistical confidence thresholds required to predict the impact of this variant on OFD1 protein function. In summary, the available evidence is currently insufficient to determine the role of this variant in disease. Therefore, it has been classified as a Variant of Uncertain Significance.

Literature cited by the submitters: PubMed 33825116 (cited by Labcorp Genetics (formerly Invitae), Labcorp).